The following is an entry in ClinVar:

NM_000540.3(RYR1):c.14530C>T (p.Leu4844Phe)

Gene: RYR1 (ryanodine receptor 1; plus strand). Cytogenetic location: 19q13.2.
Variant type: single nucleotide variant.
Coding change: c.14530C>T on transcript NM_000540.3 (MANE Select); coding-DNA position 14530, C replaced by T.
Protein change: p.Leu4844Phe; replaces leucine 4844 with phenylalanine.
Molecular consequence: missense variant.
Genome position (GRCh38, 1-based): chr19:38,580,388, C>T. VCF-style: chr19-38580388-C-T. GRCh37 (hg19) VCF-style: chr19-39071028-C-T.
Other names: c.14515C>T, p.Leu4839Phe (NM_001042723.2); short protein forms L4839F, L4844F.
Identifiers: ClinVar variation 4756332 (VCV004756332.1).

ClinVar aggregate classification (germline): Uncertain significance (1 of 4 stars; one submission).

Conditions:
Malignant hyperthermia, susceptibility to, 1 (MHS1). Also called: RYR1-Related Malignant Hyperthermia Susceptibility; Malignant hyperthermia suceptibility 1; Anesthesia related hyperthermia; Malignant hyperpyrexia; Fulminating hyperpyrexia; Pharmacogenic myopathy. Identifiers: Orphanet 423, MedGen C2930980, MONDO:0007783, OMIM 145600.

gnomAD v4.1: 5 of 1,614,136 alleles (0.00031%); highest among the groups gnomAD compares: Non-Finnish European, 0.00042%; no homozygotes.

Submission:

Color Diagnostics, LLC DBA Color Health
Classification: Uncertain significance for Malignant hyperthermia, susceptibility to, 1. Last evaluated: 2025-09-18. Review status: criteria provided, single submitter. Criteria: ACMG Guidelines, 2015. Collection method: clinical testing. Allele origin: germline.
Comment: This missense variant replaces leucine with phenylalanine at codon 4844 of the RYR1 protein. Computational prediction suggests that this variant may have deleterious impact on protein structure and function. To our knowledge, functional studies have not been reported for this variant. This variant has not been reported in individuals affected with RYR1-related disorders in the literature. This variant has not been identified in the general population by the Genome Aggregation Database (gnomAD). The available evidence is insufficient to determine the role of this variant in disease conclusively. Therefore, this variant is classified as a Variant of Uncertain Significance.